The following is an entry in ClinVar:

ClinVar aggregate classification (germline): Uncertain significance (1 of 4 stars; one submission).

Conditions:
Hereditary cancer-predisposing syndrome. Also called: Hereditary neoplastic syndrome; Neoplastic Syndromes, Hereditary; Tumor predisposition; Hereditary Cancer Syndrome. Identifiers: Orphanet 140162, MedGen C0027672, MeSH D009386, MONDO:0015356.

gnomAD v4.1: 1 of 1,614,198 alleles (0.000062%); no homozygotes.

Submission:

Ambry Genetics
Classification: Uncertain significance for Hereditary cancer-predisposing syndrome. Last evaluated: 2014-09-08. Review status: criteria provided, single submitter. Criteria: Ambry Variant Classification Scheme 2023. Collection method: clinical testing. Allele origin: germline.
Comment: The p.K502R variant (also known as c.1505A>G), located in coding exon 4 of the PALB2 gene, results from an A to G substitution at nucleotide position 1505. The lysine at codon 502 is replaced by arginine, an amino acid with highly similar properties. This variant was not reported in population based cohorts in the following databases: Database of Single Nucleotide Polymorphisms (dbSNP), NHLBI Exome Sequencing Project (ESP), and 1000 Genomes Project. In the ESP, this variant was not observed in 6497 samples (12994 alleles) with coverage at this position. To date, this alteration has been detected with an allele frequency of approximately 0.004% (greater than 23000 alleles tested) in our clinical cohort (includes this individual). This amino acid position is well conserved in available vertebrate species. In addition, this alteration is predicted to be tolerated by in silico analysis. Based on available evidence to date, the clinical significance of this variant remains unclear.

NM_024675.4(PALB2):c.1505A>G (p.Lys502Arg)

Gene: PALB2 (partner and localizer of BRCA2; minus strand). Cytogenetic location: 16p12.2.
Variant type: single nucleotide variant.
Coding change: c.1505A>G on transcript NM_024675.4 (MANE Select); coding-DNA position 1505, A replaced by G.
Protein change: p.Lys502Arg; replaces lysine 502 with arginine.
Molecular consequence: missense variant.
Genome position (GRCh38, 1-based): chr16:23,635,041, T>C on the plus strand (A>G on the coding strand, the complement: PALB2 is on the minus strand). VCF-style: chr16-23635041-T-C. GRCh37 (hg19) VCF-style: chr16-23646362-T-C.
Other names: short protein forms K502R.
Identifiers: ClinVar variation 186124 (VCV000186124.5), dbSNP rs786202711, ClinGen allele CA193923.